The following is an entry in ClinVar:

ClinVar aggregate classification (germline): Uncertain significance (1 of 4 stars; one submission).

Conditions:
NPRL2-related disorder. Also called: NPRL2-related condition.

Allele frequency attached by ClinVar (database versions not stated): ExAC 0.00001; gnomAD exomes 0.00001; TOPMed 0.00001.

Submission:

PreventionGenetics, part of Exact Sciences
Classification: Uncertain significance for NPRL2-related condition. Last evaluated: 2023-07-06. Review status: criteria provided, single submitter. Criteria: ACMG Guidelines, 2015. Collection method: clinical testing. Allele origin: germline.
Comment: The NPRL2 c.500C>T variant is predicted to result in the amino acid substitution p.Pro167Leu. To our knowledge, this variant has not been reported in the literature. This variant is reported in 0.0029% of alleles in individuals of Latino descent in gnomAD. At this time, the clinical significance of this variant is uncertain due to the absence of conclusive functional and genetic evidence.

NM_006545.5(NPRL2):c.500C>T (p.Pro167Leu)

Gene: NPRL2 (NPR2 like, GATOR1 complex subunit; minus strand). Cytogenetic location: 3p21.31.
Variant type: single nucleotide variant.
Coding change: c.500C>T on transcript NM_006545.5 (MANE Select); coding-DNA position 500, C replaced by T.
Protein change: p.Pro167Leu; replaces proline 167 with leucine.
Molecular consequence: missense variant.
Genome position (GRCh38, 1-based): chr3:50,348,959, G>A on the plus strand (C>T on the coding strand, the complement: NPRL2 is on the minus strand). VCF-style: chr3-50348959-G-A. GRCh37 (hg19) VCF-style: chr3-50386390-G-A.
Other names: short protein forms P167L.
Identifiers: ClinVar variation 2631200 (VCV002631200.1), dbSNP rs759876809, ClinGen allele CA2417576.